The following is an entry in ClinVar:

ClinVar aggregate classification (germline): Uncertain significance (1 of 4 stars; one submission).

Submission:

Labcorp Genetics (formerly Invitae), Labcorp
Classification: Uncertain significance. Last evaluated: 2024-04-01. Review status: criteria provided, single submitter. Criteria: Invitae Variant Classification Sherloc (09022015). Collection method: clinical testing. Allele origin: germline.
Comment: This sequence change replaces histidine, which is basic and polar, with arginine, which is basic and polar, at codon 925 of the TTBK2 protein (p.His925Arg). This variant is not present in population databases (gnomAD no frequency). This variant has not been reported in the literature in individuals affected with TTBK2-related conditions. Algorithms developed to predict the effect of missense changes on protein structure and function output the following: SIFT: "Not Available"; PolyPhen-2: "Benign"; Align-GVGD: "Not Available". The arginine amino acid residue is found in multiple mammalian species, which suggests that this missense change does not adversely affect protein function. In summary, the available evidence is currently insufficient to determine the role of this variant in disease. Therefore, it has been classified as a Variant of Uncertain Significance.

NM_173500.4(TTBK2):c.2774A>G (p.His925Arg)

Gene: TTBK2 (tau tubulin kinase 2; minus strand). Cytogenetic location: 15q15.2.
Variant type: single nucleotide variant.
Coding change: c.2774A>G on transcript NM_173500.4 (MANE Select); coding-DNA position 2774, A replaced by G.
Protein change: p.His925Arg; replaces histidine 925 with arginine.
Molecular consequence: missense variant.
Genome position (GRCh38, 1-based): chr15:42,752,472, T>C on the plus strand (A>G on the coding strand, the complement: TTBK2 is on the minus strand). VCF-style: chr15-42752472-T-C. GRCh37 (hg19) VCF-style: chr15-43044670-T-C.
Other names: short protein forms H925R.
Identifiers: ClinVar variation 2880350 (VCV002880350.3), dbSNP rs2506195497, ClinGen allele CA392071746.
Genomic context (GRCh38, chr15:42,752,472, plus strand): 5'-ATTCGGCTGTGTCTAGTTACAAAGGATGACCTAACCATATCCTTCCGGGTTGGGGCACCA[T>C]GTTCATTCTCTGAAACACAATGAAATAGTTCTCCATTTCTAGGGGTGATTTTCTCTCTCT-3'
Protein context (NP_775771.3, residues 915-935): ELFHCVSENE[His925Arg]GAPTRKDMVR